The following is an entry in ClinVar:

NM_001042492.3(NF1):c.5894A>G (p.Asp1965Gly)

Gene: NF1 (neurofibromin 1; plus strand). Cytogenetic location: 17q11.2.
Variant type: single nucleotide variant.
Coding change: c.5894A>G on transcript NM_001042492.3 (MANE Select); coding-DNA position 5894, A replaced by G.
Protein change: p.Asp1965Gly; replaces aspartic acid 1965 with glycine.
Molecular consequence: missense variant.
Genome position (GRCh38, 1-based): chr17:31,334,919, A>G. VCF-style: chr17-31334919-A-G. GRCh37 (hg19) VCF-style: chr17-29661937-A-G.
Other names: c.5831A>G, p.Asp1944Gly (NM_000267.4); short protein forms D1944G, D1965G.
Identifiers: ClinVar variation 4778053 (VCV004778053.1).

ClinVar aggregate classification (germline): Uncertain significance (1 of 4 stars; one submission).

Conditions:
Neurofibromatosis, type 1 (NF1). Also called: Neurofibromatosis, type I; VON RECKLINGHAUSEN DISEASE; NEUROFIBROMATOSIS, TYPE I, SOMATIC; Peripheral type neurofibromatosis. Identifiers: Orphanet 636, MedGen C0027831, MONDO:0018975, OMIM 162200. Disease mechanism: loss of function.

gnomAD v4.1: 1 of 1,613,924 alleles (0.000062%); highest among the groups gnomAD compares: Non-Finnish European, 0.000085%; no homozygotes.

Submission:

Labcorp Genetics (formerly Invitae), Labcorp
Classification: Uncertain significance for Neurofibromatosis, type 1. Last evaluated: 2025-06-09. Review status: criteria provided, single submitter. Criteria: Invitae Variant Classification Sherloc (09022015). Collection method: clinical testing. Allele origin: germline.
Comment: This sequence change replaces aspartic acid, which is acidic and polar, with glycine, which is neutral and non-polar, at codon 1944 of the NF1 protein (p.Asp1944Gly). This variant is not present in population databases (gnomAD no frequency). This variant has not been reported in the literature in individuals affected with NF1-related conditions. Invitae Evidence Modeling of protein sequence and biophysical properties (such as structural, functional, and spatial information, amino acid conservation, physicochemical variation, residue mobility, and thermodynamic stability) indicates that this missense variant is expected to disrupt NF1 protein function with a positive predictive value of 95%. In summary, the available evidence is currently insufficient to determine the role of this variant in disease. Therefore, it has been classified as a Variant of Uncertain Significance.